The following is an entry in ClinVar:

NM_018942.3(HMX1):c.1000G>A (p.Ala334Thr)

Gene: HMX1 (H6 family homeobox 1; minus strand). Cytogenetic location: 4p16.1.
Variant type: single nucleotide variant.
Coding change: c.1000G>A on transcript NM_018942.3 (MANE Select); coding-DNA position 1000, G replaced by A.
Protein change: p.Ala334Thr; replaces alanine 334 with threonine.
Molecular consequence: missense variant. On other transcripts: intron variant (1).
Genome position (GRCh38, 1-based): chr4:8,867,740, C>T on the plus strand (G>A on the coding strand, the complement: HMX1 is on the minus strand). VCF-style: chr4-8867740-C-T. GRCh37 (hg19) VCF-style: chr4-8869466-C-T.
Other names: c.394+3481G>A (NM_001306142.2); c.1000G>A (NM_018942.2); short protein forms A334T.
Identifiers: ClinVar variation 1515302 (VCV001515302.6), dbSNP rs930860616, ClinGen allele CA92349777.

ClinVar aggregate classification (germline): Uncertain significance. Review status: criteria provided, multiple submitters, no conflicts (2 of 4 stars). 3 submissions from 3 submitters: Uncertain significance (3). Last evaluated 2025-08-20.

Conditions:
Inborn genetic diseases. Identifiers: MedGen C0950123, MeSH D030342.

Allele frequency attached by ClinVar (database versions not stated): gnomAD exomes 0.00001; gnomAD 0.00005; TOPMed 0.00007.
gnomAD v4.1: 17 of 1,289,814 alleles (0.0013%); highest among the groups gnomAD compares: African/African-American, 0.014%; no homozygotes.

Submissions (3):

Ambry Genetics
Classification: Uncertain significance for Inborn genetic diseases. Last evaluated: 2025-08-20. Review status: criteria provided, single submitter. Criteria: Ambry Variant Classification Scheme 2023. Collection method: clinical testing. Allele origin: germline.

GeneDx
Classification: Uncertain significance. Last evaluated: 2024-05-15. Review status: criteria provided, single submitter. Criteria: GeneDx Variant Classification Process June 2021. Collection method: clinical testing. Allele origin: germline. Affected: yes.
Comment: Not observed at significant frequency in large population cohorts (gnomAD); In silico analysis indicates that this missense variant does not alter protein structure/function; Has not been previously published as pathogenic or benign to our knowledge

Labcorp Genetics (formerly Invitae), Labcorp
Classification: Uncertain significance. Last evaluated: 2022-08-21. Review status: criteria provided, single submitter. Criteria: Invitae Variant Classification Sherloc (09022015). Collection method: clinical testing. Allele origin: germline.
Comment: This sequence change replaces alanine, which is neutral and non-polar, with threonine, which is neutral and polar, at codon 334 of the HMX1 protein (p.Ala334Thr). This variant is not present in population databases (gnomAD no frequency). This variant has not been reported in the literature in individuals affected with HMX1-related conditions. ClinVar contains an entry for this variant (Variation ID: 1515302). Algorithms developed to predict the effect of missense changes on protein structure and function are either unavailable or do not agree on the potential impact of this missense change (SIFT: "Tolerated"; PolyPhen-2: "Possibly Damaging"; Align-GVGD: "Class C0"). In summary, the available evidence is currently insufficient to determine the role of this variant in disease. Therefore, it has been classified as a Variant of Uncertain Significance.